The following is an entry in ClinVar:

ClinVar aggregate classification (germline): Conflicting classifications of pathogenicity. Review status: criteria provided, conflicting classifications (1 of 4 stars). 2 submissions from 2 submitters: Uncertain significance (1); Likely benign (1). Last evaluated 2023-12-22.

Conditions:
Inborn genetic diseases. Identifiers: MedGen C0950123, MeSH D030342.

Allele frequency attached by ClinVar (database versions not stated): gnomAD 0.00007; 1000 Genomes Project 30x 0.00016; ExAC 0.00009; 1000 Genomes Project 0.00020; TOPMed 0.00009.
gnomAD v4.1: 40 of 1,614,194 alleles (0.0025%); highest among the groups gnomAD compares: East Asian, 0.036%; no homozygotes.

Submissions (2):

Ambry Genetics
Classification: Likely benign for Inborn genetic diseases. Last evaluated: 2023-12-22. Review status: criteria provided, single submitter. Criteria: Ambry Variant Classification Scheme 2023. Collection method: clinical testing. Allele origin: germline.

Labcorp Genetics (formerly Invitae), Labcorp
Classification: Uncertain significance. Last evaluated: 2022-05-21. Review status: criteria provided, single submitter. Criteria: Invitae Variant Classification Sherloc (09022015). Collection method: clinical testing. Allele origin: germline.
Comment: This variant is present in population databases (rs116317145, gnomAD 0.08%). In summary, the available evidence is currently insufficient to determine the role of this variant in disease. Therefore, it has been classified as a Variant of Uncertain Significance. Algorithms developed to predict the effect of missense changes on protein structure and function (SIFT, PolyPhen-2, Align-GVGD) all suggest that this variant is likely to be tolerated. This variant has not been reported in the literature in individuals affected with AMHR2-related conditions. This sequence change replaces proline, which is neutral and non-polar, with leucine, which is neutral and non-polar, at codon 234 of the AMHR2 protein (p.Pro234Leu).

NM_020547.3(AMHR2):c.701C>T (p.Pro234Leu)

Gene: AMHR2 (anti-Mullerian hormone receptor type 2; plus strand). Cytogenetic location: 12q13.13.
Variant type: single nucleotide variant.
Coding change: c.701C>T on transcript NM_020547.3 (MANE Select); coding-DNA position 701, C replaced by T.
Protein change: p.Pro234Leu; replaces proline 234 with leucine.
Molecular consequence: missense variant.
Genome position (GRCh38, 1-based): chr12:53,425,768, C>T. VCF-style: chr12-53425768-C-T. GRCh37 (hg19) VCF-style: chr12-53819552-C-T.
Other names: c.701C>T, p.Pro234Leu (NM_001164690.2, NM_001164691.2); c.701C>T (NM_020547.2); short protein forms P234L.
Identifiers: ClinVar variation 2056619 (VCV002056619.5), dbSNP rs116317145, ClinGen allele CA6600426.
Genomic context (GRCh38, chr12:53,425,768, plus strand): 5'-ATGCAGTGGTTTGGGCCGGGCAGCTGCAAGGAAAACTGGTTGCCATCAAGGCCTTCCCAC[C>T]GAGGTCTGTGGCTCAGTTCCAAGCTGAGAGAGCATTGTACGAACTTCCAGGCCTACAGCA-3'
Protein context (NP_065434.1, residues 224-244): GKLVAIKAFP[Pro234Leu]RSVAQFQAER